The following is an entry in ClinVar:

ClinVar aggregate classification (germline): Uncertain significance. Review status: criteria provided, multiple submitters, no conflicts (2 of 4 stars). 2 submissions from 2 submitters: Uncertain significance (2). Last evaluated 2025-09-05.

Conditions:
Inborn genetic diseases. Identifiers: MedGen C0950123, MeSH D030342.
TBX3-related disorder. Also called: TBX3-related condition.

gnomAD v4.1: 35 of 1,614,074 alleles (0.0022%); highest among the groups gnomAD compares: South Asian, 0.02%; 1 homozygote.

Submissions (2):

Ambry Genetics
Classification: Uncertain significance for Inborn genetic diseases. Last evaluated: 2025-09-05. Review status: criteria provided, single submitter. Criteria: Ambry Variant Classification Scheme 2023. Collection method: clinical testing. Allele origin: germline.

PreventionGenetics, part of Exact Sciences
Classification: Uncertain significance for TBX3-related condition. Last evaluated: 2025-03-03. Review status: criteria provided, single submitter. Criteria: ACMG Guidelines, 2015. Collection method: clinical testing. Allele origin: germline.
Comment: The TBX3 c.254C>A variant is predicted to result in the amino acid substitution p.Ala85Glu. To our knowledge, this variant has not been reported in the literature. This variant is reported in 0.026% of alleles in individuals of South Asian descent in gnomAD. Although we suspect that this variant may be benign, at this time, the clinical significance of this variant is uncertain due to the absence of conclusive functional and genetic evidence.

NM_005996.4(TBX3):c.254C>A (p.Ala85Glu)

Genes: TBX3 (T-box transcription factor 3; minus strand), TBX3-AS1 (TBX3 antisense RNA 1; plus strand). Cytogenetic location: 12q24.21.
Variant type: single nucleotide variant.
Coding change: c.254C>A on transcript NM_005996.4 (MANE Select); coding-DNA position 254, C replaced by A.
Protein change: p.Ala85Glu; replaces alanine 85 with glutamic acid.
Molecular consequence: missense variant.
Genome position (GRCh38, 1-based): chr12:114,682,947, G>T on the plus strand (C>A on the coding strand, the complement: TBX3 is on the minus strand). VCF-style: chr12-114682947-G-T. GRCh37 (hg19) VCF-style: chr12-115120752-G-T.
Other names: c.254C>A (NM_016569.3); c.254C>A, p.Ala85Glu (NM_016569.4); short protein forms A85E.
Identifiers: ClinVar variation 2399855 (VCV002399855.4), dbSNP rs777208877, ClinGen allele CA6810235.